The following is an entry in ClinVar:

ClinVar aggregate classification (germline): Uncertain significance. Review status: criteria provided, multiple submitters, no conflicts (2 of 4 stars). 2 submissions from 2 submitters: Uncertain significance (2). Last evaluated 2022-10-17.

Conditions:
Deficiency of alpha-mannosidase (MANSA). Also called: LYSOSOMAL ALPHA-D-MANNOSIDASE DEFICIENCY; Mannosidosis, alpha-, types I and II; Alpha-Mannosidosis. Identifiers: Orphanet 61, MedGen C0024748, MONDO:0009561, OMIM 248500.

Allele frequency attached by ClinVar (database versions not stated): ExAC 0.00001; gnomAD exomes 0.00001 and 0.00004; gnomAD 0.00003 and 0.00004; TOPMed 0.00003.
gnomAD v4.1: 64 of 1,612,790 alleles (0.004%); highest among the groups gnomAD compares: African/African-American, 0.0067%; no homozygotes.

Submissions (2):

Labcorp Genetics (formerly Invitae), Labcorp
Classification: Uncertain significance for Deficiency of alpha-mannosidase. Last evaluated: 2022-10-17. Review status: criteria provided, single submitter. Criteria: Invitae Variant Classification Sherloc (09022015). Collection method: clinical testing. Allele origin: germline.
Comment: This sequence change replaces valine, which is neutral and non-polar, with isoleucine, which is neutral and non-polar, at codon 514 of the MAN2B1 protein (p.Val514Ile). This variant is present in population databases (rs759767616, gnomAD 0.004%). This variant has not been reported in the literature in individuals affected with MAN2B1-related conditions. ClinVar contains an entry for this variant (Variation ID: 1424718). Advanced modeling of protein sequence and biophysical properties (such as structural, functional, and spatial information, amino acid conservation, physicochemical variation, residue mobility, and thermodynamic stability) performed at Invitae indicates that this missense variant is not expected to disrupt MAN2B1 protein function. In summary, the available evidence is currently insufficient to determine the role of this variant in disease. Therefore, it has been classified as a Variant of Uncertain Significance.

Blueprint Genetics
Classification: Uncertain significance. Last evaluated: 2022-09-07. Review status: criteria provided, single submitter. Criteria: ACMG Guidelines, 2015. Collection method: clinical testing. Allele origin: germline.

NM_000528.4(MAN2B1):c.1540G>A (p.Val514Ile)

Gene: MAN2B1 (mannosidase alpha class 2B member 1; minus strand). Cytogenetic location: 19p13.13.
Variant type: single nucleotide variant.
Coding change: c.1540G>A on transcript NM_000528.4 (MANE Select); coding-DNA position 1540, G replaced by A.
Protein change: p.Val514Ile; replaces valine 514 with isoleucine.
Molecular consequence: missense variant.
Genome position (GRCh38, 1-based): chr19:12,656,675, C>T on the plus strand (G>A on the coding strand, the complement: MAN2B1 is on the minus strand). VCF-style: chr19-12656675-C-T. GRCh37 (hg19) VCF-style: chr19-12767489-C-T.
Other names: c.1537G>A, p.Val513Ile (NM_001173498.2); short protein forms V514I, V513I.
Identifiers: ClinVar variation 1424718 (VCV001424718.6), dbSNP rs759767616, ClinGen allele CA9226395.